The following is an entry in ClinVar:

ClinVar aggregate classification (germline): Pathogenic/Likely pathogenic. Review status: criteria provided, multiple submitters, no conflicts (2 of 4 stars). 3 submissions from 3 submitters: Pathogenic (2); Likely pathogenic (1). Last evaluated 2025-05-19.

Conditions:
Hermansky-Pudlak syndrome 1 (HPS1). Also called: DELTA STORAGE POOL DISEASE. Identifiers: Orphanet 231500, Orphanet 79430, MedGen C2931875, MONDO:0008748, OMIM 203300.

Submissions (3):

Myriad Genetics, Inc.
Classification: Pathogenic for Hermansky-Pudlak syndrome 1. Last evaluated: 2025-05-19. Review status: criteria provided, single submitter. Criteria: Myriad Autosomal Dominant, Autosomal Recessive and X-Linked Classification Criteria (2023). Collection method: clinical testing. Allele origin: unknown.
Comment: NM_000195.3(HPS1):c.484C>T(Q162*) is expected to be pathogenic in the context of Hermansky-Pudlak syndrome, HPS1-related. This variant is predicted to lead to an abnormal or absent protein product due to the creation of a premature termination codon in HPS1, a gene where loss-of-function variants are known to be pathogenic. Please note: this variant was assessed in the context of healthy population screening.

Fulgent Genetics
Classification: Likely pathogenic for Hermansky-Pudlak syndrome 1. Last evaluated: 2024-05-17. Review status: criteria provided, single submitter. Criteria: ACMG Guidelines, 2015. Collection method: clinical testing. Allele origin: germline.

Labcorp Genetics (formerly Invitae), Labcorp
Classification: Pathogenic. Last evaluated: 2022-04-09. Review status: criteria provided, single submitter. Criteria: Invitae Variant Classification Sherloc (09022015). Collection method: clinical testing. Allele origin: germline.
Comment: This variant has not been reported in the literature in individuals affected with HPS1-related conditions. This variant is not present in population databases (gnomAD no frequency). This sequence change creates a premature translational stop signal (p.Gln162*) in the HPS1 gene. It is expected to result in an absent or disrupted protein product. Loss-of-function variants in HPS1 are known to be pathogenic (PMID: 12442288, 16185271). For these reasons, this variant has been classified as Pathogenic.

Literature cited by the submitters: PubMed 12442288 (cited by Labcorp Genetics (formerly Invitae), Labcorp); PubMed 16185271 (cited by Labcorp Genetics (formerly Invitae), Labcorp).

NM_000195.5(HPS1):c.484C>T (p.Gln162Ter)

Gene: HPS1 (HPS1 biogenesis of lysosomal organelles complex 3 subunit 1; minus strand). Cytogenetic location: 10q24.2.
Variant type: single nucleotide variant.
Coding change: c.484C>T on transcript NM_000195.5 (MANE Select); coding-DNA position 484, C replaced by T.
Protein change: p.Gln162Ter; replaces glutamine 162 with a stop codon.
Molecular consequence: nonsense. On other transcripts: 5 prime UTR variant (3), missense variant (3).
Genome position (GRCh38, 1-based): chr10:98,434,006, G>A on the plus strand (C>T on the coding strand, the complement: HPS1 is on the minus strand). VCF-style: chr10-98434006-G-A. GRCh37 (hg19) VCF-style: chr10-100193763-G-A.
Other names: c.-433C>T (NM_001311345.2, NM_001322489.2); c.484C>T, p.Gln162Ter (NM_001322476.2, NM_001322477.2, NM_001322478.2 and 5 more transcripts); c.341C>T, p.Ala114Val (NM_001322480.2, NM_001322481.2, NM_001322482.2); c.115C>T, p.Gln39Ter (NM_001322483.2, NM_001322484.2, NM_001322485.2); c.-532C>T (NM_001322487.2); short protein forms Q39*, A114V, Q162*.
Identifiers: ClinVar variation 1958073 (VCV001958073.7), dbSNP rs2538966402, ClinGen allele CA378053848.